The following is an entry in ClinVar:

ClinVar aggregate classification (germline): Likely benign (1 of 4 stars; one submission).

gnomAD v4.1: 8,020 of 1,607,612 alleles (0.5%); highest among the groups gnomAD compares: Non-Finnish European, 0.63%; 26 homozygotes.

Submission:

CeGaT Center for Human Genetics Tuebingen
Classification: Likely benign. Last evaluated: 2024-11-01. Review status: criteria provided, single submitter. Criteria: CeGaT Center For Human Genetics Tuebingen Variant Classification Criteria Version 2. Collection method: clinical testing. Allele origin: germline. Affected: yes. Observed: 1 variant allele.
Comment: SNRPN: BS2

NM_022807.5(SNRPN):c.-390-7130G>A

Genes: SNHG14 (small nucleolar RNA host gene 14; plus strand), SNRPN (small nuclear ribonucleoprotein polypeptide N; plus strand). Cytogenetic location: 15q11.2.
Variant type: single nucleotide variant.
Coding change: c.-390-7130G>A on transcript NM_022807.5; 7130 bases into the intron before 390 bases upstream of the start codon, G replaced by A.
Molecular consequence: intron variant.
Genome position (GRCh38, 1-based): chr15:24,954,984, G>A. VCF-style: chr15-24954984-G-A. GRCh37 (hg19) VCF-style: chr15-25200131-G-A.
Other names: c.-65G>A (NM_005678.4); c.-390-7130G>A (NM_022808.5, NM_001400637.1, NM_001349460.2 and 39 more transcripts); c.-391+4294G>A (NM_001400636.1, NM_001400640.1, NM_001400641.1 and 13 more transcripts); c.-548-7130G>A (NM_001378251.1); c.-521-3754G>A (NM_001400649.1, NM_001400743.1, NM_001400693.1 and 10 more transcripts); c.-240+4294G>A (NM_001400698.1); c.-338-7130G>A (NM_001400744.1); c.-514-7130G>A (NM_001400696.1); and 7 more.
Identifiers: ClinVar variation 3387943 (VCV003387943.14).